The following is an entry in ClinVar:

ClinVar aggregate classification (germline): Uncertain significance. Review status: criteria provided, single submitter (1 of 4 stars). 2 submissions from 1 submitter: Uncertain significance (2). Last evaluated 2022-10-08.

Conditions:
Vici syndrome (VICIS). Identifiers: Orphanet 1493, MedGen C1855772, MONDO:0009452, OMIM 242840.
Microcephaly, epilepsy, and diabetes syndrome. Identifiers: Orphanet 306558, MedGen C3280240, MONDO:0100328.

Submissions (2):

Labcorp Genetics (formerly Invitae), Labcorp
Classification: Uncertain significance for Microcephaly, epilepsy, and diabetes syndrome. Last evaluated: 2022-10-08. Review status: criteria provided, single submitter. Criteria: Invitae Variant Classification Sherloc (09022015). Collection method: clinical testing. Allele origin: germline.
Comment: A copy number gain of the genomic region encompassing the full coding sequence of the IER3IP1 gene has been identified. The boundaries of this event are unknown as they extend beyond the assayed region for this gene and therefore may encompass additional genes. As the precise location of this event is unknown, it may be in tandem or it may be located elsewhere in the genome. This variant has not been reported in the literature in individuals affected with IER3IP1-related conditions. In summary, the available evidence is currently insufficient to determine the role of this variant in disease. Therefore, it has been classified as a Variant of Uncertain Significance.

Labcorp Genetics (formerly Invitae), Labcorp
Classification: Uncertain significance for Vici syndrome. Last evaluated: 2022-09-30. Review status: criteria provided, single submitter. Criteria: Invitae Variant Classification Sherloc (09022015). Collection method: clinical testing. Allele origin: germline.
Comment: A copy number gain of the genomic region encompassing the full coding sequence of the EPG5 gene has been identified. The boundaries of this event are unknown as they extend beyond the assayed region for this gene and therefore may encompass additional genes. As the precise location of this event is unknown, it may be in tandem or it may be located elsewhere in the genome. This variant has not been reported in the literature in individuals affected with EPG5-related conditions. In summary, the available evidence is currently insufficient to determine the role of this variant in disease. Therefore, it has been classified as a Variant of Uncertain Significance.

NC_000018.9:g.(?_42281312)_(45423127_?)dup

Genes: LOXHD1 (lipoxygenase homology PLAT domains 1; minus strand), ELOA2 (elongin A2; minus strand), ARK2N (arkadia (RNF111) N-terminal like PKA signaling regulator 2N; plus strand), SLC14A1 (solute carrier family 14 member 1 (Kidd blood group); plus strand), EPG5 (ectopic P-granules 5 autophagy tethering factor; minus strand) and 14 more. Cytogenetic location: 18q12.3-21.1.
Variant type: Duplication.
Identifiers: ClinVar variation 1412018 (VCV001412018.6).